The following is an entry in ClinVar:

ClinVar aggregate classification (germline): Uncertain significance (1 of 4 stars; one submission).

Conditions:
Neurofibromatosis, type 1 (NF1). Also called: VON RECKLINGHAUSEN DISEASE; Neurofibromatosis, type I; NEUROFIBROMATOSIS, TYPE I, SOMATIC; Peripheral type neurofibromatosis. Identifiers: Orphanet 636, MedGen C0027831, MONDO:0018975, OMIM 162200. Disease mechanism: loss of function.

Submission:

Labcorp Genetics (formerly Invitae), Labcorp
Classification: Uncertain significance for Neurofibromatosis, type 1. Last evaluated: 2025-11-17. Review status: criteria provided, single submitter. Criteria: Invitae Variant Classification Sherloc (09022015). Collection method: clinical testing. Allele origin: germline.
Comment: This sequence change replaces threonine, which is neutral and polar, with serine, which is neutral and polar, at codon 2766 of the NF1 protein (p.Thr2766Ser). This variant is not present in population databases (gnomAD no frequency). This variant has not been reported in the literature in individuals affected with NF1-related conditions. Invitae Evidence Modeling of protein sequence and biophysical properties (such as structural, functional, and spatial information, amino acid conservation, physicochemical variation, residue mobility, and thermodynamic stability) indicates that this missense variant is not expected to disrupt NF1 protein function with a negative predictive value of 95%. In summary, the available evidence is currently insufficient to determine the role of this variant in disease. Therefore, it has been classified as a Variant of Uncertain Significance.

NM_001042492.3(NF1):c.8360C>G (p.Thr2787Ser)

Gene: NF1 (neurofibromin 1; plus strand). Cytogenetic location: 17q11.2.
Variant type: single nucleotide variant.
Coding change: c.8360C>G on transcript NM_001042492.3 (MANE Select); coding-DNA position 8360, C replaced by G.
Protein change: p.Thr2787Ser; replaces threonine 2787 with serine.
Molecular consequence: missense variant.
Genome position (GRCh38, 1-based): chr17:31,360,686, C>G. VCF-style: chr17-31360686-C-G. GRCh37 (hg19) VCF-style: chr17-29687704-C-G.
Other names: c.8297C>G, p.Thr2766Ser (NM_000267.4); short protein forms T2766S, T2787S.
Identifiers: ClinVar variation 4800817 (VCV004800817.1).